The following is an entry in ClinVar:

ClinVar aggregate classification (germline): Benign. Review status: criteria provided, multiple submitters, no conflicts (2 of 4 stars). 3 submissions from 3 submitters: Benign (2). 1 of the submissions does not count toward it. Last evaluated 2021-06-09.

Conditions:
NLRP14-related disorder. Also called: NLRP14-related condition.

Allele frequency attached by ClinVar (database versions not stated): ESP Exome Variant Server 0.92974; TOPMed 0.93038; 1000 Genomes Project 30x 0.93161; gnomAD 0.93470 and 0.93922; 1000 Genomes Project 0.93510; ExAC 0.98022; gnomAD exomes 0.98345 and 0.99400.
gnomAD v4.1: 1,594,089 of 1,612,480 alleles (99%); highest among the groups gnomAD compares: East Asian, 100%; 789,576 homozygotes.

Submissions (3):

GeneDx
Classification: Benign. Last evaluated: 2021-06-09. Review status: criteria provided, single submitter. Criteria: GeneDx Variant Classification Process June 2021. Collection method: clinical testing. Allele origin: germline. Affected: yes.

Breakthrough Genomics
Classification: Benign. Review status: criteria provided, single submitter. Criteria: ACMG Guidelines, 2015. Collection method: not provided. Allele origin: germline. Inheritance: Unknown mechanism. Affected: yes.

PreventionGenetics, part of Exact Sciences
Classification: Benign for NLRP14-related condition. Last evaluated: 2019-10-17. Review status: no assertion criteria provided. Collection method: clinical testing. Allele origin: germline. Not counted in ClinVar's aggregate classification.
Comment: This variant is classified as benign based on ACMG/AMP sequence variant interpretation guidelines (Richards et al. 2015 PMID: 25741868, with internal and published modifications).

NM_176822.4(NLRP14):c.2253G>A (p.Glu751=)

Gene: NLRP14 (NLR family pyrin domain containing 14; plus strand). Cytogenetic location: 11p15.4.
Variant type: single nucleotide variant.
Coding change: c.2253G>A on transcript NM_176822.4 (MANE Select); coding-DNA position 2253, G replaced by A.
Protein change: p.Glu751=; no amino-acid change (glutamic acid 751 retained).
Molecular consequence: synonymous variant.
Genome position (GRCh38, 1-based): chr11:7,049,800, G>A. VCF-style: chr11-7049800-G-A. GRCh37 (hg19) VCF-style: chr11-7071031-G-A.
Identifiers: ClinVar variation 1225074 (VCV001225074.6), dbSNP rs1552726, ClinGen allele CA5865006.